The following is an entry in ClinVar:

ClinVar aggregate classification (germline): Pathogenic/Likely pathogenic. Review status: criteria provided, multiple submitters, no conflicts (2 of 4 stars). 3 submissions from 3 submitters: Pathogenic (1); Likely pathogenic (2). Last evaluated 2024-11-27.

Conditions:
Cohen syndrome (COH1). Also called: PEPPER SYNDROME; Cutis verticis gyrata, retinitis pigmentosa, and sensorineural deafness. Identifiers: Orphanet 193, MedGen C0265223, MONDO:0008999, OMIM 216550.
VPS13B-related disorder. Also called: VPS13B-related condition.

Allele frequency attached by ClinVar (database versions not stated): gnomAD exomes below 0.00001; TOPMed below 0.00001; ExAC 0.00001; gnomAD 0.00001; 1000 Genomes Project 30x 0.00016; 1000 Genomes Project 0.00020.
gnomAD v4.1: 11 of 1,614,170 alleles (0.00068%); highest among the groups gnomAD compares: African/African-American, 0.0027%; no homozygotes.

Submissions (3):

PreventionGenetics, part of Exact Sciences
Classification: Likely pathogenic for VPS13B-related condition. Last evaluated: 2024-11-27. Review status: criteria provided, single submitter. Criteria: ACMG Guidelines, 2015. Collection method: clinical testing. Allele origin: germline.
Comment: The VPS13B c.3022C>T variant is predicted to result in premature protein termination (p.Gln1008*). To our knowledge, this variant has not been reported in the literature. This variant is reported in 0.0062% of alleles in individuals of African descent in gnomAD. Nonsense variants in VPS13B are expected to be pathogenic. This variant is interpreted as likely pathogenic.

Fulgent Genetics
Classification: Likely pathogenic for Cohen syndrome. Last evaluated: 2024-06-20. Review status: criteria provided, single submitter. Criteria: ACMG Guidelines, 2015. Collection method: clinical testing. Allele origin: germline.

Labcorp Genetics (formerly Invitae), Labcorp
Classification: Pathogenic for Cohen syndrome. Last evaluated: 2021-10-08. Review status: criteria provided, single submitter. Criteria: Invitae Variant Classification Sherloc (09022015). Collection method: clinical testing. Allele origin: germline.
Comment: For these reasons, this variant has been classified as Pathogenic. This variant has not been reported in the literature in individuals affected with VPS13B-related conditions. This variant is present in population databases (rs567092790, ExAC 0.01%). This sequence change creates a premature translational stop signal (p.Gln1008*) in the VPS13B gene. It is expected to result in an absent or disrupted protein product. Loss-of-function variants in VPS13B are known to be pathogenic (PMID: 15141358, 16648375, 20461111).

Literature cited by the submitters: PubMed 15141358 (cited by Labcorp Genetics (formerly Invitae), Labcorp); PubMed 16648375 (cited by Labcorp Genetics (formerly Invitae), Labcorp); PubMed 20461111 (cited by Labcorp Genetics (formerly Invitae), Labcorp).

NM_152564.5(VPS13B):c.3022C>T (p.Gln1008Ter)

Gene: VPS13B (vacuolar protein sorting 13 homolog B; plus strand). Cytogenetic location: 8q22.2.
Variant type: single nucleotide variant.
Coding change: c.3022C>T on transcript NM_152564.5 (MANE Select); coding-DNA position 3022, C replaced by T.
Protein change: p.Gln1008Ter; replaces glutamine 1008 with a stop codon.
Molecular consequence: nonsense.
Genome position (GRCh38, 1-based): chr8:99,391,644, C>T. VCF-style: chr8-99391644-C-T. GRCh37 (hg19) VCF-style: chr8-100403872-C-T.
Other names: c.3022C>T, p.Gln1008Ter (NM_017890.5); c.3022C>T (NM_017890.4, NM_152564.4); short protein forms Q1008*.
Identifiers: ClinVar variation 1422965 (VCV001422965.8), dbSNP rs567092790, ClinGen allele CA4823135.